The following is an entry in ClinVar:

NM_004333.6(BRAF):c.357C>T (p.Thr119=)

Gene: BRAF (B-Raf proto-oncogene, serine/threonine kinase; minus strand). Cytogenetic location: 7q34.
Variant type: single nucleotide variant.
Coding change: c.357C>T on transcript NM_004333.6 (MANE Select); coding-DNA position 357, C replaced by T.
Protein change: p.Thr119=; no amino-acid change (threonine 119 retained).
Molecular consequence: synonymous variant.
Genome position (GRCh38, 1-based): chr7:140,834,756, G>A on the plus strand (C>T on the coding strand, the complement: BRAF is on the minus strand). VCF-style: chr7-140834756-G-A. GRCh37 (hg19) VCF-style: chr7-140534556-G-A.
Other names: c.357C>T, p.Thr119= (NM_001354609.2, NM_001374244.1, NM_001374258.1).
Identifiers: ClinVar variation 699893 (VCV000699893.38), dbSNP rs552456345, ClinGen allele CA4516981.

ClinVar aggregate classification (germline): Likely benign. Review status: criteria provided, multiple submitters, no conflicts (2 of 4 stars). 6 submissions from 6 submitters: Likely benign (3). 3 of the submissions do not count toward it. Last evaluated 2025-12-02.

Conditions:
BRAF-related disorder. Also called: BRAF-related condition.
Cardiovascular phenotype. Identifiers: MedGen CN230736.
RASopathy. Also called: rasopathies; Noonan spectrum disorder. Identifiers: Orphanet 536391, MedGen C5555857, MONDO:0021060.

Allele frequency attached by ClinVar (database versions not stated): gnomAD 0.00002 and 0.00003; TOPMed 0.00002; ExAC 0.00003; gnomAD exomes 0.00003 and 0.00004.
gnomAD v4.1: 43 of 1,614,010 alleles (0.0027%); highest among the groups gnomAD compares: South Asian, 0.013%; no homozygotes.

Submissions (6):

Labcorp Genetics (formerly Invitae), Labcorp
Classification: Likely benign for RASopathy. Last evaluated: 2025-12-02. Review status: criteria provided, single submitter. Criteria: Invitae Variant Classification Sherloc (09022015). Collection method: clinical testing. Allele origin: germline.

CeGaT Center for Human Genetics Tuebingen
Classification: Likely benign. Last evaluated: 2025-10-01. Review status: criteria provided, single submitter. Criteria: CeGaT Center For Human Genetics Tuebingen Variant Classification Criteria Version 2. Collection method: clinical testing. Allele origin: germline. Affected: yes. Observed: 2 variant alleles.
Comment: BRAF: BP4, BP7

Ambry Genetics
Classification: Likely benign for Cardiovascular phenotype. Last evaluated: 2021-10-06. Review status: criteria provided, single submitter. Criteria: Ambry Variant Classification Scheme 2023. Collection method: clinical testing. Allele origin: germline.

PreventionGenetics, part of Exact Sciences
Classification: Likely benign for BRAF-related condition. Last evaluated: 2019-12-09. Review status: no assertion criteria provided. Collection method: clinical testing. Allele origin: germline. Not counted in ClinVar's aggregate classification.
Comment: This variant is classified as likely benign based on ACMG/AMP sequence variant interpretation guidelines (Richards et al. 2015 PMID: 25741868, with internal and published modifications).

Clinical Genetics, Academic Medical Center
Classification: Likely benign. Review status: no assertion criteria provided. Collection method: clinical testing. Allele origin: germline. Affected: yes. Study: VKGL Data-share Consensus. Not counted in ClinVar's aggregate classification.

Laboratory of Diagnostic Genome Analysis, Leiden University Medical Center (LUMC)
Classification: Likely benign. Review status: no assertion criteria provided. Collection method: clinical testing. Allele origin: germline. Affected: yes. Study: VKGL Data-share Consensus. Not counted in ClinVar's aggregate classification.